The following is an entry in ClinVar:

NC_000008.11:g.(?_43196928)_(43197972_?)del

Gene: HGSNAT (heparan-alpha-glucosaminide N-acetyltransferase; plus strand). Cytogenetic location: 8p11.21.
Variant type: Deletion.
Identifiers: ClinVar variation 830681 (VCV000830681.1).

ClinVar aggregate classification (germline): Pathogenic (1 of 4 stars; one submission).

Conditions:
Retinitis pigmentosa 73 (RP73). Identifiers: Orphanet 791, MedGen C4225287, MONDO:0014687, OMIM 616544.
Mucopolysaccharidosis, MPS-III-C (MPS3C). Also called: SANFILIPPO SYNDROME C; mucopolysaccharidosis type 3C; Mucopolysaccharidosis type IIIC (Sanfilippo C); MPS IIIC (Sanfilippo Syndrome Type C); MUCOPOLYSACCHARIDOSIS, TYPE IIIC; MPS III C. Identifiers: Orphanet 581, Orphanet 79271, MedGen C0086649, MONDO:0009657, OMIM 252930.

Submission:

Labcorp Genetics (formerly Invitae), Labcorp
Classification: Pathogenic for Retinitis pigmentosa 73; Mucopolysaccharidosis, MPS-III-C. Last evaluated: 2019-01-20. Review status: criteria provided, single submitter. Criteria: Invitae Variant Classification Sherloc (09022015). Collection method: clinical testing. Allele origin: germline.
Comment: This variant is a sub-genic deletion of the genomic region encompassing exons 15-17 of the HGSNAT gene. While this deletion is not anticipated to result in nonsense mediated decay, it is expected to create a truncated protein product. This variant disrupts the p.Ser541 amino acid residue in HGSNAT. Other variant(s) that disrupt this residue have been observed in individuals with HGSNAT-related conditions (PMID:17033958, 19823584, 19479962, 19823584, 20583299), suggesting that it is a clinically significant residue. As a result, variants that disrupt this residue are likely to be causative of disease. For these reasons, this variant has been classified as Pathogenic.

Literature cited by the submitters: PubMed 19823584; PubMed 19479962; PubMed 20583299; PubMed 17033958.